The following is an entry in ClinVar:

ClinVar aggregate classification (germline): Uncertain significance (1 of 4 stars; one submission).

gnomAD v4.1: 1 of 1,612,938 alleles (0.000062%); highest among the groups gnomAD compares: African/African-American, 0.0013%; no homozygotes.

Submission:

Labcorp Genetics (formerly Invitae), Labcorp
Classification: Uncertain significance. Last evaluated: 2025-03-09. Review status: criteria provided, single submitter. Criteria: Invitae Variant Classification Sherloc (09022015). Collection method: clinical testing. Allele origin: germline.
Comment: This sequence change replaces valine, which is neutral and non-polar, with methionine, which is neutral and non-polar, at codon 1564 of the VPS13A protein (p.Val1564Met). This variant is present in population databases (no rsID available, gnomAD 0.01%). This variant has not been reported in the literature in individuals affected with VPS13A-related conditions. Invitae Evidence Modeling of protein sequence and biophysical properties (such as structural, functional, and spatial information, amino acid conservation, physicochemical variation, residue mobility, and thermodynamic stability) indicates that this missense variant is expected to disrupt VPS13A protein function with a positive predictive value of 80%. In summary, the available evidence is currently insufficient to determine the role of this variant in disease. Therefore, it has been classified as a Variant of Uncertain Significance.

NM_033305.3(VPS13A):c.4690G>A (p.Val1564Met)

Gene: VPS13A (vacuolar protein sorting 13 homolog A; plus strand). Cytogenetic location: 9q21.2.
Variant type: single nucleotide variant.
Coding change: c.4690G>A on transcript NM_033305.3 (MANE Select); coding-DNA position 4690, G replaced by A.
Protein change: p.Val1564Met; replaces valine 1564 with methionine.
Molecular consequence: missense variant.
Genome position (GRCh38, 1-based): chr9:77,316,233, G>A. VCF-style: chr9-77316233-G-A. GRCh37 (hg19) VCF-style: chr9-79931149-G-A.
Other names: c.4573G>A, p.Val1525Met (NM_001018037.2); c.4690G>A, p.Val1564Met (NM_001018038.3, NM_015186.4); short protein forms V1564M, V1525M.
Identifiers: ClinVar variation 4707872 (VCV004707872.1).